The following is an entry in ClinVar:

NM_001267550.2(TTN):c.95808T>A (p.Asp31936Glu)

Genes: TTN (titin; minus strand), TTN-AS1 (TTN antisense RNA 1; plus strand). Cytogenetic location: 2q31.2.
Variant type: single nucleotide variant.
Coding change: c.95808T>A on transcript NM_001267550.2 (MANE Select); coding-DNA position 95808, T replaced by A.
Protein change: p.Asp31936Glu; replaces aspartic acid 31936 with glutamic acid.
Molecular consequence: missense variant.
Genome position (GRCh38, 1-based): chr2:178,544,421, A>T on the plus strand (T>A on the coding strand, the complement: TTN is on the minus strand). VCF-style: chr2-178544421-A-T. GRCh37 (hg19) VCF-style: chr2-179409148-A-T.
Other names: c.90885T>A, p.Asp30295Glu (NM_001256850.1); c.68613T>A, p.Asp22871Glu (NM_003319.4); c.88104T>A, p.Asp29368Glu (NM_133378.4); c.68988T>A, p.Asp22996Glu (NM_133432.3); c.69189T>A, p.Asp23063Glu (NM_133437.4); short protein forms D22871E, D22996E, D23063E, D29368E, D30295E, D31936E.
Identifiers: ClinVar variation 3768454 (VCV003768454.1).

ClinVar aggregate classification (germline): Uncertain significance (1 of 4 stars; one submission).

gnomAD v4.1: 4 of 1,613,726 alleles (0.00025%); highest among the groups gnomAD compares: Non-Finnish European, 0.00034%; no homozygotes.

Submission:

Women's Health and Genetics/Laboratory Corporation of America, LabCorp
Classification: Uncertain significance. Last evaluated: 2024-12-24. Review status: criteria provided, single submitter. Criteria: LabCorp Variant Classification Summary - May 2015. Collection method: clinical testing. Allele origin: germline.
Comment: Variant summary: TTN c.88104T>A (p.Asp29368Glu) results in a conservative amino acid change located in the A-band domain of the encoded protein sequence. Two of four in-silico tools predict a benign effect of the variant on protein function. The variant was absent in 248788 control chromosomes (gnomAD). The available data on variant occurrences in the general population are insufficient to allow any conclusion about variant significance. c.88104T>A has been reported in the literature in one individuals affected with Cardiomyopathy (Peters_2014). These report(s) do not provide unequivocal conclusions about association of the variant with Dilated Cardiomyopathy. To our knowledge, no experimental evidence demonstrating an impact on protein function has been reported. The following publication have been ascertained in the context of this evaluation (PMID: 25576714). No submitters have cited clinical-significance assessments for this variant to ClinVar. Based on the evidence outlined above, the variant was classified as uncertain significance.

Literature cited by the submitters: PubMed 25576714.